The following is an entry in ClinVar:

NM_001165963.4(SCN1A):c.2007A>G (p.Pro669=)

Gene: SCN1A (sodium voltage-gated channel alpha subunit 1; minus strand). Cytogenetic location: 2q24.3.
Variant type: single nucleotide variant.
Coding change: c.2007A>G on transcript NM_001165963.4 (MANE Select); coding-DNA position 2007, A replaced by G.
Protein change: p.Pro669=; no amino-acid change (proline 669 retained).
Molecular consequence: synonymous variant. On other transcripts: 5 prime UTR variant (1), non-coding transcript variant (1), intron variant (4).
Genome position (GRCh38, 1-based): chr2:166,043,705, T>C on the plus strand (A>G on the coding strand, the complement: SCN1A is on the minus strand). VCF-style: chr2-166043705-T-C. GRCh37 (hg19) VCF-style: chr2-166900215-T-C.
Other names: c.2007A>G (NM_001165963.1); c.2007A>G, p.Pro669= (NM_001202435.3, NM_001353948.2, NM_001353949.2 and 4 more transcripts); c.2004A>G, p.Pro668= (NM_001353954.2, NM_001353955.2); c.-419A>G (NM_001353961.2); c.1959+48A>G (NM_001353958.2, NM_001353957.2, NM_001165964.3); c.1956+48A>G (NM_001353960.2).
Identifiers: ClinVar variation 1614622 (VCV001614622.10), dbSNP rs993370830, ClinGen allele CA59793636.
Genomic context (GRCh38, chr2:166,043,705, plus strand): 5'-CTGAACTATTTAAAACTTCCTTACATTGTCATCAGTAGCTGGCTTATCTATTATCACCTC[T>C]GGCAGAAGCTGTCCAACAGGCGATGTAGGAACTGAAGGTCCACCAACCAAGGAAACCACA-3'
Protein context (NP_001159435.1, residues 659-679): VPTSPVGQLL[Pro669=]EVIIDKPATD

ClinVar aggregate classification (germline): Conflicting classifications of pathogenicity. Review status: criteria provided, conflicting classifications (1 of 4 stars). 2 submissions from 2 submitters: Uncertain significance (1); Likely benign (1). Last evaluated 2023-05-25.

Conditions:
Early-infantile DEE. Also called: Early infantile epileptic encephalopathy with suppression bursts; Early infantile epileptic encephalopathy; Ohtahara syndrome. Identifiers: Orphanet 1934, MedGen C0393706, MONDO:0800491.

Allele frequency attached by ClinVar (database versions not stated): gnomAD exomes below 0.00001; gnomAD 0.00002; TOPMed 0.00002.
gnomAD v4.1: 5 of 1,614,022 alleles (0.00031%); highest among the groups gnomAD compares: African/African-American, 0.0067%; no homozygotes.

Submissions (2):

Labcorp Genetics (formerly Invitae), Labcorp
Classification: Likely benign for Early-infantile DEE. Last evaluated: 2023-05-25. Review status: criteria provided, single submitter. Criteria: Invitae Variant Classification Sherloc (09022015). Collection method: clinical testing. Allele origin: germline.

GeneDx
Classification: Uncertain significance. Last evaluated: 2022-11-02. Review status: criteria provided, single submitter. Criteria: GeneDx Variant Classification Process June 2021. Collection method: clinical testing. Allele origin: germline. Affected: yes.
Comment: Not observed at significant frequency in large population cohorts (gnomAD); In silico analysis supports that this variant does not alter splicing; Has not been previously published as pathogenic or benign to our knowledge